The following is an entry in ClinVar:

NM_003098.3(SNTA1):c.994G>A (p.Glu332Lys)

Gene: SNTA1 (syntrophin alpha 1; minus strand). Cytogenetic location: 20q11.21.
Variant type: single nucleotide variant.
Coding change: c.994G>A on transcript NM_003098.3 (MANE Select); coding-DNA position 994, G replaced by A.
Protein change: p.Glu332Lys; replaces glutamic acid 332 with lysine.
Molecular consequence: missense variant.
Genome position (GRCh38, 1-based): chr20:33,412,342, C>T on the plus strand (G>A on the coding strand, the complement: SNTA1 is on the minus strand). VCF-style: chr20-33412342-C-T. GRCh37 (hg19) VCF-style: chr20-32000148-C-T.
Other names: short protein forms E332K.
Identifiers: ClinVar variation 1985504 (VCV001985504.4), dbSNP rs891869271, ClinGen allele CA313253204.
Genomic context (GRCh38, chr20:33,412,342, plus strand): 5'-CTGCCTGTGGGTACCTGGTGGCGATGAGTGGGGCAGTACGGGCTGGCCGGCTCAGGGCCT[C>T]GCGGGTCTCGGGGAGAGACAAGTAGAGGAGCAGTTCCTTTTCAGTTAGCAGGGCCAGGGT-3'
Protein context (NP_003089.1, residues 322-342): LLYLSLPETR[Glu332Lys]ALSRPARTAP

ClinVar aggregate classification (germline): Uncertain significance (1 of 4 stars; one submission).

Conditions:
Long QT syndrome (LQTS). Identifiers: MedGen C0023976, MeSH D008133, MONDO:0002442. Disease mechanism: loss of function. Inheritance: Various modes of inheritance.

Allele frequency attached by ClinVar (database versions not stated): gnomAD exomes below 0.00001; TOPMed below 0.00001.
gnomAD v4.1: 6 of 1,611,740 alleles (0.00037%); highest among the groups gnomAD compares: Non-Finnish European, 0.00051%; no homozygotes.

Submission:

Labcorp Genetics (formerly Invitae), Labcorp
Classification: Uncertain significance for Long QT syndrome. Last evaluated: 2022-04-29. Review status: criteria provided, single submitter. Criteria: Invitae Variant Classification Sherloc (09022015). Collection method: clinical testing. Allele origin: germline.
Comment: This variant is not present in population databases (gnomAD no frequency). This sequence change replaces glutamic acid, which is acidic and polar, with lysine, which is basic and polar, at codon 332 of the SNTA1 protein (p.Glu332Lys). This missense change has been observed in individual(s) with clinical features of SNTA1-related conditions (PMID: 30847666). In summary, the available evidence is currently insufficient to determine the role of this variant in disease. Therefore, it has been classified as a Variant of Uncertain Significance. Algorithms developed to predict the effect of missense changes on protein structure and function are either unavailable or do not agree on the potential impact of this missense change (SIFT: "Tolerated"; PolyPhen-2: "Possibly Damaging"; Align-GVGD: "Class C0").

Literature cited by the submitters: PubMed 30847666.